The following is an entry in ClinVar:

NM_000400.4(ERCC2):c.402C>G (p.Cys134Trp)

Gene: ERCC2 (ERCC excision repair 2, TFIIH core complex helicase subunit; minus strand). Cytogenetic location: 19q13.32.
Variant type: single nucleotide variant.
Coding change: c.402C>G on transcript NM_000400.4 (MANE Select); coding-DNA position 402, C replaced by G.
Protein change: p.Cys134Trp; replaces cysteine 134 with tryptophan.
Molecular consequence: missense variant.
Genome position (GRCh38, 1-based): chr19:45,365,117, G>C on the plus strand (C>G on the coding strand, the complement: ERCC2 is on the minus strand). VCF-style: chr19-45365117-G-C. GRCh37 (hg19) VCF-style: chr19-45868375-G-C.
Other names: c.330C>G, p.Cys110Trp (NM_001130867.2); short protein forms C110W, C134W.
Identifiers: ClinVar variation 1475269 (VCV001475269.5), dbSNP rs767543274, ClinGen allele CA9513799.
Genomic context (GRCh38, chr19:45,365,117, plus strand): 5'-GTGGGGCAGGCTGGTGTCATGCTGGTACTGCGCCCGCACATAGGAGGCTGTGAGGCTGTG[G>C]CATTTCCCATCGACGTCCTTCCCAAAGCGCAGGGGTGTCACCTGGGGGTGTGGGGCATCT-3'
Protein context (NP_000391.1, residues 124-144): LRFGKDVDGK[Cys134Trp]HSLTASYVRA

ClinVar aggregate classification (germline): Uncertain significance. Review status: criteria provided, multiple submitters, no conflicts (2 of 4 stars). 2 submissions from 2 submitters: Uncertain significance (2). Last evaluated 2023-12-30.

Conditions:
Inborn genetic diseases. Identifiers: MedGen C0950123, MeSH D030342.

Allele frequency attached by ClinVar (database versions not stated): ExAC 0.00002; gnomAD exomes 0.00001.
gnomAD v4.1: 7 of 1,614,164 alleles (0.00043%); highest among the groups gnomAD compares: Non-Finnish European, 0.00034%; no homozygotes.

Submissions (2):

Ambry Genetics
Classification: Uncertain significance for Inborn genetic diseases. Last evaluated: 2023-12-30. Review status: criteria provided, single submitter. Criteria: Ambry Variant Classification Scheme 2023. Collection method: clinical testing. Allele origin: germline.
Comment: The p.C134W variant (also known as c.402C>G), located in coding exon 6 of the ERCC2 gene, results from a C to G substitution at nucleotide position 402. The cysteine at codon 134 is replaced by tryptophan, an amino acid with highly dissimilar properties. This amino acid position is conserved. In addition, this alteration is predicted to be deleterious by in silico analysis. Since supporting evidence is limited at this time, the clinical significance of this alteration remains unclear.

Labcorp Genetics (formerly Invitae), Labcorp
Classification: Uncertain significance. Last evaluated: 2021-10-13. Review status: criteria provided, single submitter. Criteria: Invitae Variant Classification Sherloc (09022015). Collection method: clinical testing. Allele origin: germline.
Comment: This sequence change replaces cysteine with tryptophan at codon 134 of the ERCC2 protein (p.Cys134Trp). The cysteine residue is highly conserved and there is a large physicochemical difference between cysteine and tryptophan. This variant is present in population databases (rs767543274, ExAC 0.003%). This variant has not been reported in the literature in individuals affected with ERCC2-related conditions. Algorithms developed to predict the effect of missense changes on protein structure and function are either unavailable or do not agree on the potential impact of this missense change (SIFT: "Deleterious"; PolyPhen-2: "Probably Damaging"; Align-GVGD: "Class C15"). In summary, the available evidence is currently insufficient to determine the role of this variant in disease. Therefore, it has been classified as a Variant of Uncertain Significance.